The following is an entry in ClinVar:

NM_002878.4(RAD51D):c.404T>C (p.Val135Ala)

Genes: RAD51L3-RFFL (RAD51L3-RFFL readthrough; minus strand), RAD51D (RAD51 paralog D; minus strand). Cytogenetic location: 17q12.
Variant type: single nucleotide variant.
Coding change: c.404T>C on transcript NM_002878.4 (MANE Select); coding-DNA position 404, T replaced by C.
Protein change: p.Val135Ala; replaces valine 135 with alanine.
Molecular consequence: missense variant. On other transcripts: non-coding transcript variant (1), intron variant (1).
Genome position (GRCh38, 1-based): chr17:35,107,064, A>G on the plus strand (T>C on the coding strand, the complement: RAD51D is on the minus strand). VCF-style: chr17-35107064-A-G. GRCh37 (hg19) VCF-style: chr17-33434083-A-G.
Other names: c.464T>C, p.Val155Ala (NM_001142571.2); c.145-583T>C (NM_133629.3); short protein forms V155A, V135A.
Identifiers: ClinVar variation 1913258 (VCV001913258.5), dbSNP rs1409370576, ClinGen allele CA399089290.

ClinVar aggregate classification (germline): Uncertain significance (1 of 4 stars; one submission).

Conditions:
Breast-ovarian cancer, familial, susceptibility to, 4. Identifiers: Orphanet 145, MedGen C3280345, MONDO:0013669, OMIM 614291.

Allele frequency attached by ClinVar (database versions not stated): gnomAD exomes below 0.00001.
gnomAD v4.1: 1 of 1,614,066 alleles (0.000062%); highest among the groups gnomAD compares: Admixed American, 0.0017%; no homozygotes.

Submission:

Labcorp Genetics (formerly Invitae), Labcorp
Classification: Uncertain significance for Breast-ovarian cancer, familial, susceptibility to, 4. Last evaluated: 2022-07-30. Review status: criteria provided, single submitter. Criteria: Invitae Variant Classification Sherloc (09022015). Collection method: clinical testing. Allele origin: germline.
Comment: In summary, the available evidence is currently insufficient to determine the role of this variant in disease. Therefore, it has been classified as a Variant of Uncertain Significance. Algorithms developed to predict the effect of missense changes on protein structure and function (SIFT, PolyPhen-2, Align-GVGD) all suggest that this variant is likely to be disruptive. This variant has not been reported in the literature in individuals affected with RAD51D-related conditions. This variant is present in population databases (no rsID available, gnomAD 0.003%). This sequence change replaces valine, which is neutral and non-polar, with alanine, which is neutral and non-polar, at codon 135 of the RAD51D protein (p.Val135Ala).